The following is an entry in ClinVar:

ClinVar aggregate classification (germline): Uncertain significance (1 of 4 stars; one submission).

Conditions:
Encephalopathy, acute, infection-induced (herpes-specific), susceptibility to, 6. Also called: Herpes simplex encephalitis, susceptibility to, 4. Identifiers: Orphanet 1930, MedGen C3553869, MONDO:0013921, OMIM 614850.

Allele frequency attached by ClinVar (database versions not stated): TOPMed below 0.00001.

Submission:

Labcorp Genetics (formerly Invitae), Labcorp
Classification: Uncertain significance for Encephalopathy, acute, infection-induced (herpes-specific), susceptibility to, 6. Last evaluated: 2022-06-07. Review status: criteria provided, single submitter. Criteria: Invitae Variant Classification Sherloc (09022015). Collection method: clinical testing. Allele origin: germline.
Comment: In summary, the available evidence is currently insufficient to determine the role of this variant in disease. Therefore, it has been classified as a Variant of Uncertain Significance. This sequence change replaces tyrosine, which is neutral and polar, with histidine, which is basic and polar, at codon 25 of the TICAM1 protein (p.Tyr25His). This variant is not present in population databases (gnomAD no frequency). This variant has not been reported in the literature in individuals affected with TICAM1-related conditions. Algorithms developed to predict the effect of missense changes on protein structure and function output the following: SIFT: "Tolerated"; PolyPhen-2: "Benign"; Align-GVGD: "Class C0". The histidine amino acid residue is found in multiple mammalian species, which suggests that this missense change does not adversely affect protein function.

NM_182919.4(TICAM1):c.73T>C (p.Tyr25His)

Gene: TICAM1 (TIR domain containing adaptor molecule 1; minus strand). Cytogenetic location: 19p13.3.
Variant type: single nucleotide variant.
Coding change: c.73T>C on transcript NM_182919.4 (MANE Select); coding-DNA position 73, T replaced by C.
Protein change: p.Tyr25His; replaces tyrosine 25 with histidine.
Molecular consequence: missense variant. On other transcripts: 5 prime UTR variant (1), intron variant (1).
Genome position (GRCh38, 1-based): chr19:4,818,305, A>G on the plus strand (T>C on the coding strand, the complement: TICAM1 is on the minus strand). VCF-style: chr19-4818305-A-G. GRCh37 (hg19) VCF-style: chr19-4818317-A-G.
Other names: c.31T>C, p.Tyr11His (NM_001385678.1); c.-63T>C (NM_001385679.1); c.-72+79T>C (NM_001385680.1); short protein forms Y11H, Y25H.
Identifiers: ClinVar variation 2003042 (VCV002003042.4), dbSNP rs2093591408, ClinGen allele CA403493604.